The following is an entry in ClinVar:

ClinVar aggregate classification (germline): Uncertain significance (1 of 4 stars; one submission).

Allele frequency attached by ClinVar (database versions not stated): gnomAD exomes below 0.00001 and 0.00001; TOPMed 0.00001.
gnomAD v4.1: 3 of 1,612,918 alleles (0.00019%); highest among the groups gnomAD compares: Non-Finnish European, 0.00025%; no homozygotes.

Submission:

Labcorp Genetics (formerly Invitae), Labcorp
Classification: Uncertain significance. Last evaluated: 2021-01-26. Review status: criteria provided, single submitter. Criteria: Invitae Variant Classification Sherloc (09022015). Collection method: clinical testing. Allele origin: germline.
Comment: In summary, the available evidence is currently insufficient to determine the role of this variant in disease. Therefore, it has been classified as a Variant of Uncertain Significance. Nucleotide substitutions within the consensus splice site are a relatively common cause of aberrant splicing (PMID: 17576681, 9536098). Algorithms developed to predict the effect of sequence changes on RNA splicing suggest that this variant is not likely to affect RNA splicing, but this prediction has not been confirmed by published transcriptional studies. This variant has not been reported in the literature in individuals with IL21-related conditions. This variant is not present in population databases (ExAC no frequency). This sequence change falls in intron 4 of the IL21 gene. It does not directly change the encoded amino acid sequence of the IL21 protein. It affects a nucleotide within the consensus splice site of the intron.

Literature cited by the submitters: PubMed 17576681; PubMed 9536098.

NM_021803.4(IL21):c.438+6T>C

Gene: IL21 (interleukin 21; minus strand). Cytogenetic location: 4q27.
Variant type: single nucleotide variant.
Coding change: c.438+6T>C on transcript NM_021803.4 (MANE Select); 6 bases into the intron after coding-DNA position 438, T replaced by C.
Molecular consequence: intron variant. On other transcripts: synonymous variant (1).
Genome position (GRCh38, 1-based): chr4:122,612,845, A>G on the plus strand (T>C on the coding strand, the complement: IL21 is on the minus strand). VCF-style: chr4-122612845-A-G. GRCh37 (hg19) VCF-style: chr4-123534000-A-G.
Other names: c.444T>C, p.Ser148= (NM_001207006.3).
Identifiers: ClinVar variation 1503705 (VCV001503705.6), dbSNP rs1459372758, ClinGen allele CA554477954.